The following is an entry in ClinVar:

NM_032444.4(SLX4):c.679G>A (p.Ala227Thr)

Gene: SLX4 (SLX4 structure-specific endonuclease subunit; minus strand). Cytogenetic location: 16p13.3.
Variant type: single nucleotide variant.
Coding change: c.679G>A on transcript NM_032444.4 (MANE Select); coding-DNA position 679, G replaced by A.
Protein change: p.Ala227Thr; replaces alanine 227 with threonine.
Molecular consequence: missense variant.
Genome position (GRCh38, 1-based): chr16:3,606,555, C>T on the plus strand (G>A on the coding strand, the complement: SLX4 is on the minus strand). VCF-style: chr16-3606555-C-T. GRCh37 (hg19) VCF-style: chr16-3656556-C-T.
Other names: short protein forms A227T.
Identifiers: ClinVar variation 1436850 (VCV001436850.8), dbSNP rs147872182, ClinGen allele CA7866790.

ClinVar aggregate classification (germline): Uncertain significance. Review status: criteria provided, multiple submitters, no conflicts (2 of 4 stars). 2 submissions from 2 submitters: Uncertain significance (2). Last evaluated 2024-04-18.

Conditions:
Fanconi anemia (FA). Also called: Fanconi's anemia. Identifiers: Orphanet 84, MedGen C0015625, MeSH D005199, MONDO:0019391.
Fanconi anemia complementation group P. Also called: SLX4-Related Fanconi Anemia. Identifiers: Orphanet 84, MedGen C3469542, MONDO:0013499, OMIM 613951.

Allele frequency attached by ClinVar (database versions not stated): gnomAD exomes 0.00001 and 0.00004; TOPMed 0.00005; ExAC 0.00006; gnomAD 0.00006 and 0.00007; ESP Exome Variant Server 0.00023.

Submissions (2):

Labcorp Genetics (formerly Invitae), Labcorp
Classification: Uncertain significance for Fanconi anemia. Last evaluated: 2024-04-18. Review status: criteria provided, single submitter. Criteria: Invitae Variant Classification Sherloc (09022015). Collection method: clinical testing. Allele origin: germline.
Comment: This sequence change replaces alanine, which is neutral and non-polar, with threonine, which is neutral and polar, at codon 227 of the SLX4 protein (p.Ala227Thr). This variant is present in population databases (rs147872182, gnomAD 0.03%). This variant has not been reported in the literature in individuals affected with SLX4-related conditions. ClinVar contains an entry for this variant (Variation ID: 1436850). Algorithms developed to predict the effect of missense changes on protein structure and function output the following: SIFT: "Not Available"; PolyPhen-2: "Benign"; Align-GVGD: "Not Available". The threonine amino acid residue is found in multiple mammalian species, which suggests that this missense change does not adversely affect protein function. In summary, the available evidence is currently insufficient to determine the role of this variant in disease. Therefore, it has been classified as a Variant of Uncertain Significance.

Fulgent Genetics
Classification: Uncertain significance for Fanconi anemia complementation group P. Last evaluated: 2021-10-01. Review status: criteria provided, single submitter. Criteria: ACMG Guidelines, 2015. Collection method: clinical testing. Allele origin: unknown.